The following is an entry in ClinVar:

ClinVar aggregate classification (germline): Uncertain significance (1 of 4 stars; one submission).

Submission:

GeneDx
Classification: Uncertain significance. Last evaluated: 2023-01-11. Review status: criteria provided, single submitter. Criteria: GeneDx Variant Classification Process June 2021. Collection method: clinical testing. Allele origin: germline. Affected: yes.
Comment: Not observed at significant frequency in large population cohorts (gnomAD); In-frame deletion of seven amino acids in the poly-Alanine tract; In silico analysis supports that this variant does not alter protein structure/function; Has not been previously published as pathogenic or benign to our knowledge

NM_007129.5(ZIC2):c.1371_1391del (p.Ala464_Ala470del)

Genes: ZIC2 (Zic family member 2; plus strand), LOC110008580 (Zic family member 2 polyalanine repeat instability region; plus strand). Cytogenetic location: 13q32.3.
Variant type: Deletion.
Coding change: c.1371_1391del on transcript NM_007129.5 (MANE Select); coding-DNA positions 1371 to 1391, 21 bases deleted (GGCGGCAGCGGCGGCGGCGGC).
Protein change: p.Ala464_Ala470del.
Molecular consequence: inframe deletion.
Genome position (GRCh38, 1-based): chr13:99,985,454-99,985,474, GGCGGCAGCGGCGGCGGCGGC deleted; deleting any 21 consecutive bases within chr13:99,985,449-99,985,474 gives the same sequence; the c. name uses the placement nearest the transcript's 3' end. VCF-style (leftmost placement, unchanged base first): chr13-99985448-AGCGGCGGCGGCAGCGGCGGCG-A. GRCh37 (hg19) VCF-style: chr13-100637702-AGCGGCGGCGGCAGCGGCGGCG-A.
Identifiers: ClinVar variation 2573678 (VCV002573678.1), dbSNP rs752851904, ClinGen allele CA2575446295.
Genomic context (GRCh38, chr13:99,985,448, plus strand): 5'-CACGCCCCCGGGGCTGGTGTCCCCCAGCGCCGAGCCCCAGAGCAGCTCCAACCTGTCCCC[AGCGGCGGCGGCAGCGGCGGCG>A]GCGGCTGCGGCGGCGGCGGCCGCGGTGTCCGCGGTGCACCGGGGCGGAGGCTCGGGCAGT-3'